The following is an entry in ClinVar:

NM_000245.4(MET):c.1223G>T (p.Gly408Val)

Gene: MET (MET proto-oncogene, receptor tyrosine kinase; plus strand). Cytogenetic location: 7q31.2.
Variant type: single nucleotide variant.
Coding change: c.1223G>T on transcript NM_000245.4 (MANE Select); coding-DNA position 1223, G replaced by T.
Protein change: p.Gly408Val; replaces glycine 408 with valine.
Molecular consequence: missense variant. On other transcripts: 5 prime UTR variant (1).
Genome position (GRCh38, 1-based): chr7:116,731,690, G>T. VCF-style: chr7-116731690-G-T. GRCh37 (hg19) VCF-style: chr7-116371744-G-T.
Other names: c.1223G>T, p.Gly408Val (NM_001127500.3, NM_001324401.3); c.-68G>T (NM_001324402.2); short protein forms G408V.
Identifiers: ClinVar variation 4825362 (VCV004825362.1).

ClinVar aggregate classification (germline): Uncertain significance (1 of 4 stars; one submission).

Conditions:
Hereditary cancer-predisposing syndrome. Also called: Neoplastic Syndromes, Hereditary; Tumor predisposition; Hereditary Cancer Syndrome; Hereditary neoplastic syndrome. Identifiers: Orphanet 140162, MedGen C0027672, MeSH D009386, MONDO:0015356.

gnomAD v4.1: 1 of 1,614,040 alleles (0.000062%); highest among the groups gnomAD compares: South Asian, 0.0011%; no homozygotes.

Submission:

Ambry Genetics
Classification: Uncertain significance for Hereditary cancer-predisposing syndrome. Last evaluated: 2026-02-18. Review status: criteria provided, single submitter. Criteria: Ambry Variant Classification Scheme 2023. Collection method: clinical testing. Allele origin: germline.
Comment: The p.G408V variant (also known as c.1223G>T), located in coding exon 2 of the MET gene, results from a G to T substitution at nucleotide position 1223. The glycine at codon 408 is replaced by valine, an amino acid with dissimilar properties. This amino acid position is not well conserved in available vertebrate species. In addition, this alteration is predicted to be tolerated by in silico analysis. Based on the available evidence, the clinical significance of this variant remains unclear.